The following is an entry in ClinVar:

ClinVar aggregate classification (germline): Conflicting classifications of pathogenicity. Review status: criteria provided, conflicting classifications (1 of 4 stars). 4 submissions from 4 submitters: Likely pathogenic (2); Uncertain significance (1). 1 of the submissions does not count toward it. Last evaluated 2026-04-10.

Conditions:
POT1-related disorder. Also called: POT1-related condition.
Hereditary cancer-predisposing syndrome. Also called: Neoplastic Syndromes, Hereditary; Hereditary Cancer Syndrome; Tumor predisposition; Hereditary neoplastic syndrome. Identifiers: Orphanet 140162, MedGen C0027672, MeSH D009386, MONDO:0015356.
Tumor predisposition syndrome 3 (TPDS3). Also called: Melanoma, cutaneous malignant, susceptibility to, 10; Glioma susceptibility 9; LONG TELOMERE SYNDROME, POT1-RELATED; POT1 Tumor Predisposition. Identifiers: Orphanet 618, MedGen C4014476, MONDO:0014368, OMIM 615848.

Allele frequency attached by ClinVar (database versions not stated): gnomAD exomes below 0.00001.
gnomAD v4.1: 2 of 1,608,680 alleles (0.00012%); highest among the groups gnomAD compares: Non-Finnish European, 0.00017%; no homozygotes.

Submissions (4):

PreventionGenetics, part of Exact Sciences
Classification: Likely pathogenic for POT1-related condition. Last evaluated: 2026-04-10. Review status: criteria provided, single submitter. Criteria: ACMG Guidelines, 2015. Collection method: clinical testing. Allele origin: germline.
Comment: The POT1 c.266A>G variant is predicted to result in the amino acid substitution p.Tyr89Cys. This variant has been reported to segregate with melanoma in multiple individuals from one family (Robles-Espinoza et al. 2014. PubMed ID: 24686849). In vitro experimental studies suggest this variant results in complete loss of telomeric DNA binding (Robles-Espinoza et al. 2014. PubMed ID: 24686849; Amir et al. 2021. PubMed ID: 31847782; Nguyen et al. 2025. PubMed ID: 41255705). This variant is reported in 0.00090% of alleles in individuals of European (non-Finnish) descent in gnomAD and has conflicting classifications in ClinVar ranging from uncertain to likely pathogenic (Variation ID: 39520). This variant is interpreted as likely pathogenic.

Labcorp Genetics (formerly Invitae), Labcorp
Classification: Uncertain significance for Tumor predisposition syndrome 3. Last evaluated: 2025-04-17. Review status: criteria provided, single submitter. Criteria: Invitae Variant Classification Sherloc (09022015). Collection method: clinical testing. Allele origin: germline.
Comment: This sequence change replaces tyrosine, which is neutral and polar, with cysteine, which is neutral and slightly polar, at codon 89 of the POT1 protein (p.Tyr89Cys). This variant is present in population databases (no rsID available, gnomAD 0.0009%). This missense change has been observed in individual(s) with cutaneous malignant melanoma (PMID: 24686849). It has also been observed to segregate with disease in related individuals. ClinVar contains an entry for this variant (Variation ID: 139520). Invitae Evidence Modeling of protein sequence and biophysical properties (such as structural, functional, and spatial information, amino acid conservation, physicochemical variation, residue mobility, and thermodynamic stability) indicates that this missense variant is not expected to disrupt POT1 protein function with a negative predictive value of 80%. Experimental studies have shown that this missense change affects POT1 function (PMID: 24686849, 27869160). In summary, the available evidence is currently insufficient to determine the role of this variant in disease. Therefore, it has been classified as a Variant of Uncertain Significance.

Ambry Genetics
Classification: Likely pathogenic for Hereditary cancer-predisposing syndrome. Last evaluated: 2025-01-23. Review status: criteria provided, single submitter. Criteria: Ambry Variant Classification Scheme 2023. Collection method: clinical testing. Allele origin: germline.
Comment: The p.Y89C variant (also known as c.266A>G), located in coding exon 4 of the POT1 gene, results from an A to G substitution at nucleotide position 266. The tyrosine at codon 89 is replaced by cysteine, an amino acid with highly dissimilar properties. This alteration has been identified in a family with cutaneous malignant melanoma and was shown to segregate with disease (Robles-Espinoza CD et al. Nat. Genet., 2014 May;46:478-481). Functional studies have indicated that the p.Y89C variant is deficient at telomere binding (Gu P et al. Oncogene, 2017 04;36:1939-1951, Robles-Espinoza CD et al. Nat. Genet., 2014 May;46:478-481), and is correlated with longer telomeres in affected individuals (Robles-Espinoza CD et al. Nat. Genet., 2014 May;46:478-481). This amino acid position is well conserved in available vertebrate species. In addition, the in silico prediction for this alteration is inconclusive. Based on internal structural analysis, Y89C changes DNA binding (Ambry internal data). Based on the majority of available evidence to date, this variant is likely to be pathogenic.

OMIM
Classification: Pathogenic for TUMOR PREDISPOSITION SYNDROME 3. Last evaluated: 2014-05-01. Review status: no assertion criteria provided. Collection method: literature only. Allele origin: germline. Not counted in ClinVar's aggregate classification.

Literature cited by the submitters: PubMed 24686849 (cited by 3 submitters); PubMed 27869160 (cited by Labcorp Genetics (formerly Invitae), Labcorp and Ambry Genetics).

NM_015450.3(POT1):c.266A>G (p.Tyr89Cys)

Gene: POT1 (protection of telomeres 1; minus strand). Cytogenetic location: 7q31.33.
Variant type: single nucleotide variant.
Coding change: c.266A>G on transcript NM_015450.3 (MANE Select); coding-DNA position 266, A replaced by G.
Protein change: p.Tyr89Cys; replaces tyrosine 89 with cysteine.
Molecular consequence: missense variant. On other transcripts: 5 prime UTR variant (1), non-coding transcript variant (3).
Genome position (GRCh38, 1-based): chr7:124,863,630, T>C on the plus strand (A>G on the coding strand, the complement: POT1 is on the minus strand). VCF-style: chr7-124863630-T-C. GRCh37 (hg19) VCF-style: chr7-124503684-T-C.
Other names: c.-128A>G (NM_001042594.2); short protein forms Y89C.
Identifiers: ClinVar variation 139520 (VCV000139520.16), dbSNP rs587777472, ClinGen allele CA163227.
Genomic context (GRCh38, chr7:124,863,630, plus strand): 5'-GTTCCCTCAAACGTCAAAGATGCAAAGCCAGAGCTGGTGATACCCTGAGTCTCCTTTTTA[T>C]ATACTTGAATCTAAGAAAGTAGGGCAAAGTAGAAAACAGATACAAATAAAATAGCTTACT-3'
Protein context (NP_056265.2, residues 79-99): VRFHRLKIQV[Tyr89Cys]KKETQGITSS